The following is an entry in ClinVar:

ClinVar aggregate classification (germline): Likely benign. Review status: criteria provided, multiple submitters, no conflicts (2 of 4 stars). 4 submissions from 4 submitters: Likely benign (3). 1 of the submissions does not count toward it. Last evaluated 2025-07-02.

Conditions:
Galactosylceramide beta-galactosidase deficiency. Also called: Krabbe Disease; GALACTOCEREBROSIDASE DEFICIENCY; GALC DEFICIENCY; GLOBOID CELL LEUKOENCEPHALOPATHY; Leukodystrophy, Globoid Cell. Identifiers: Orphanet 487, MedGen C0023521, MONDO:0009499, OMIM 245200.

Allele frequency attached by ClinVar (database versions not stated): ExAC 0.00002; gnomAD 0.00002 and 0.00003; gnomAD exomes 0.00002 and 0.00005; TOPMed 0.00002; 1000 Genomes Project 0.00020; 1000 Genomes Project 30x 0.00031.
gnomAD v4.1: 75 of 1,609,776 alleles (0.0047%); highest among the groups gnomAD compares: Non-Finnish European, 0.0057%; no homozygotes.

Submissions (4):

Labcorp Genetics (formerly Invitae), Labcorp
Classification: Likely benign for Galactosylceramide beta-galactosidase deficiency. Last evaluated: 2025-07-02. Review status: criteria provided, single submitter. Criteria: Invitae Variant Classification Sherloc (09022015). Collection method: clinical testing. Allele origin: germline.

Women's Health and Genetics/Laboratory Corporation of America, LabCorp
Classification: Likely benign. Last evaluated: 2024-12-02. Review status: criteria provided, single submitter. Criteria: LabCorp Variant Classification Summary - May 2015. Collection method: clinical testing. Allele origin: germline.

CeGaT Center for Human Genetics Tuebingen
Classification: Likely benign. Last evaluated: 2023-02-01. Review status: criteria provided, single submitter. Criteria: CeGaT Center For Human Genetics Tuebingen Variant Classification Criteria Version 2. Collection method: clinical testing. Allele origin: germline. Affected: yes. Observed: 1 variant allele.
Comment: GALC: BP4, BP7

Natera, Inc.
Classification: Uncertain significance for Galactosylceramide beta-galactosidase deficiency. Last evaluated: 2020-03-10. Review status: no assertion criteria provided. Collection method: clinical testing. Allele origin: germline. Not counted in ClinVar's aggregate classification.

NM_000153.4(GALC):c.1587G>A (p.Thr529=)

Gene: GALC (galactosylceramidase; minus strand). Cytogenetic location: 14q31.3.
Variant type: single nucleotide variant.
Coding change: c.1587G>A on transcript NM_000153.4 (MANE Select); coding-DNA position 1587, G replaced by A.
Protein change: p.Thr529=; no amino-acid change (threonine 529 retained).
Molecular consequence: synonymous variant.
Genome position (GRCh38, 1-based): chr14:87,945,636, C>T on the plus strand (G>A on the coding strand, the complement: GALC is on the minus strand). VCF-style: chr14-87945636-C-T. GRCh37 (hg19) VCF-style: chr14-88411980-C-T.
Other names: c.1518G>A, p.Thr506= (NM_001201401.2); c.1509G>A, p.Thr503= (NM_001201402.2).
Identifiers: ClinVar variation 793521 (VCV000793521.37), dbSNP rs184748969, ClinGen allele CA7296975.